The following is an entry in ClinVar:

ClinVar aggregate classification (germline): Uncertain significance (1 of 4 stars; one submission).

Conditions:
SETX-related disorder. Also called: SETX-related disorders; SETX-related condition. Identifiers: MedGen CN239403.

Submission:

PreventionGenetics, part of Exact Sciences
Classification: Uncertain significance for SETX-related condition. Last evaluated: 2025-06-18. Review status: criteria provided, single submitter. Criteria: ACMG Guidelines, 2015. Collection method: clinical testing. Allele origin: germline.
Comment: The SETX c.5550G>A variant is predicted to result in the amino acid substitution p.Met1850Ile. To our knowledge, this variant has not been reported in the literature. This variant is reported in 0.00088% of alleles in individuals of European (Non-Finnish) descent in gnomAD. At this time, the clinical significance of this variant is uncertain due to the absence of conclusive functional and genetic evidence.

NM_015046.7(SETX):c.5550G>A (p.Met1850Ile)

Gene: SETX (senataxin; minus strand). Cytogenetic location: 9q34.13.
Variant type: single nucleotide variant.
Coding change: c.5550G>A on transcript NM_015046.7 (MANE Select); coding-DNA position 5550, G replaced by A.
Protein change: p.Met1850Ile; replaces methionine 1850 with isoleucine.
Molecular consequence: missense variant.
Genome position (GRCh38, 1-based): chr9:132,298,311, C>T on the plus strand (G>A on the coding strand, the complement: SETX is on the minus strand). VCF-style: chr9-132298311-C-T. GRCh37 (hg19) VCF-style: chr9-135173698-C-T.
Other names: c.5550G>A, p.Met1850Ile (NM_001351527.2, NM_001351528.2); short protein forms M1850I.
Identifiers: ClinVar variation 4982752 (VCV004982752.1).